The following is an entry in ClinVar:

NM_020937.4(FANCM):c.4859A>G (p.Glu1620Gly)

Gene: FANCM (FA complementation group M; plus strand). Cytogenetic location: 14q21.2.
Variant type: single nucleotide variant.
Coding change: c.4859A>G on transcript NM_020937.4 (MANE Select); coding-DNA position 4859, A replaced by G.
Protein change: p.Glu1620Gly; replaces glutamic acid 1620 with glycine.
Molecular consequence: missense variant.
Genome position (GRCh38, 1-based): chr14:45,188,881, A>G. VCF-style: chr14-45188881-A-G. GRCh37 (hg19) VCF-style: chr14-45658084-A-G.
Other names: c.4781A>G, p.Glu1594Gly (NM_001308133.2); short protein forms E1620G, E1594G.
Identifiers: ClinVar variation 1521207 (VCV001521207.8), dbSNP rs2139295530, ClinGen allele CA389611202.

ClinVar aggregate classification (germline): Uncertain significance (1 of 4 stars; one submission).

Conditions:
Fanconi anemia (FA). Also called: Fanconi's anemia. Identifiers: Orphanet 84, MedGen C0015625, MeSH D005199, MONDO:0019391.

Submission:

Labcorp Genetics (formerly Invitae), Labcorp
Classification: Uncertain significance for Fanconi anemia. Last evaluated: 2021-03-29. Review status: criteria provided, single submitter. Criteria: Invitae Variant Classification Sherloc (09022015). Collection method: clinical testing. Allele origin: germline.
Comment: In summary, the available evidence is currently insufficient to determine the role of this variant in disease. Therefore, it has been classified as a Variant of Uncertain Significance. Algorithms developed to predict the effect of missense changes on protein structure and function (SIFT, PolyPhen-2, Align-GVGD) all suggest that this variant is likely to be tolerated, but these predictions have not been confirmed by published functional studies and their clinical significance is uncertain. This variant has not been reported in the literature in individuals with FANCM-related conditions. This variant is not present in population databases (ExAC no frequency). This sequence change replaces glutamic acid with glycine at codon 1620 of the FANCM protein (p.Glu1620Gly). The glutamic acid residue is moderately conserved and there is a moderate physicochemical difference between glutamic acid and glycine.